The following is an entry in ClinVar:

ClinVar aggregate classification (germline): Uncertain significance (1 of 4 stars; one submission).

Conditions:
Inborn genetic diseases. Identifiers: MedGen C0950123, MeSH D030342.

Allele frequency attached by ClinVar (database versions not stated): TOPMed below 0.00001; gnomAD 0.00001.
gnomAD v4.1: 1 of 1,613,172 alleles (0.000062%); highest among the groups gnomAD compares: African/African-American, 0.0013%; no homozygotes.

Submission:

Ambry Genetics
Classification: Uncertain significance for Inborn genetic diseases. Last evaluated: 2024-05-18. Review status: criteria provided, single submitter. Criteria: Ambry Variant Classification Scheme 2023. Collection method: clinical testing. Allele origin: germline.
Comment: The p.V573G variant (also known as c.1718T>G), located in coding exon 14 of the BUB1B gene, results from a T to G substitution at nucleotide position 1718. The valine at codon 573 is replaced by glycine, an amino acid with dissimilar properties. This amino acid position is conserved. In addition, this alteration is predicted to be tolerated by in silico analysis. Since supporting evidence is limited at this time, the clinical significance of this alteration remains unclear.

NM_001211.6(BUB1B):c.1718T>G (p.Val573Gly)

Gene: BUB1B (BUB1 mitotic checkpoint serine/threonine kinase B; plus strand). Cytogenetic location: 15q15.1.
Variant type: single nucleotide variant.
Coding change: c.1718T>G on transcript NM_001211.6 (MANE Select); coding-DNA position 1718, T replaced by G.
Protein change: p.Val573Gly; replaces valine 573 with glycine.
Molecular consequence: missense variant.
Genome position (GRCh38, 1-based): chr15:40,202,678, T>G. VCF-style: chr15-40202678-T-G. GRCh37 (hg19) VCF-style: chr15-40494879-T-G.
Other names: short protein forms V573G.
Identifiers: ClinVar variation 1778676 (VCV001778676.3), dbSNP rs1043308962, ClinGen allele CA268796563.